The following is an entry in ClinVar:

NM_004656.4(BAP1):c.1109C>A (p.Pro370His)

Gene: BAP1 (BRCA1 associated deubiquitinase 1; minus strand). Cytogenetic location: 3p21.1.
Variant type: single nucleotide variant.
Coding change: c.1109C>A on transcript NM_004656.4 (MANE Select); coding-DNA position 1109, C replaced by A.
Protein change: p.Pro370His; replaces proline 370 with histidine.
Molecular consequence: missense variant.
Genome position (GRCh38, 1-based): chr3:52,405,117, G>T on the plus strand (C>A on the coding strand, the complement: BAP1 is on the minus strand). VCF-style: chr3-52405117-G-T. GRCh37 (hg19) VCF-style: chr3-52439133-G-T.
Other names: c.1055C>A, p.Pro352His (NM_001410772.1); short protein forms P370H, P352H.
Identifiers: ClinVar variation 4743292 (VCV004743292.1).

ClinVar aggregate classification (germline): Uncertain significance (1 of 4 stars; one submission).

Conditions:
BAP1-related tumor predisposition syndrome (TPDS1). Also called: COMMON Syndrome; TUMOR PREDISPOSITION SYNDROME 1; Tumor susceptibility linked to germline BAP1 mutations; BAP1 tumor predisposition syndrome. Identifiers: Orphanet 289539, MedGen C3280492, MONDO:0013692, OMIM 614327.

Submission:

Labcorp Genetics (formerly Invitae), Labcorp
Classification: Uncertain significance for BAP1-related tumor predisposition syndrome. Last evaluated: 2025-11-13. Review status: criteria provided, single submitter. Criteria: Invitae Variant Classification Sherloc (09022015). Collection method: clinical testing. Allele origin: germline.
Comment: This sequence change replaces proline, which is neutral and non-polar, with histidine, which is basic and polar, at codon 370 of the BAP1 protein (p.Pro370His). This variant is not present in population databases (gnomAD no frequency). This variant has not been reported in the literature in individuals affected with BAP1-related conditions. Invitae Evidence Modeling of protein sequence and biophysical properties (such as structural, functional, and spatial information, amino acid conservation, physicochemical variation, residue mobility, and thermodynamic stability) indicates that this missense variant is not expected to disrupt BAP1 protein function with a negative predictive value of 80%. In summary, the available evidence is currently insufficient to determine the role of this variant in disease. Therefore, it has been classified as a Variant of Uncertain Significance.